The following is an entry in ClinVar:

ClinVar aggregate classification (germline): Uncertain significance (1 of 4 stars; one submission).

Conditions:
Glycogen storage disease, type V (GSD5). Also called: MCARDLE DISEASE; MUSCLE GLYCOGEN PHOSPHORYLASE DEFICIENCY; MYOPHOSPHORYLASE DEFICIENCY; PYGM DEFICIENCY; McArdle type glycogen storage disease. Identifiers: Orphanet 368, MedGen C0017924, MONDO:0009293, OMIM 232600.

Submission:

Labcorp Genetics (formerly Invitae), Labcorp
Classification: Uncertain significance for Glycogen storage disease, type V. Last evaluated: 2025-09-15. Review status: criteria provided, single submitter. Criteria: Invitae Variant Classification Sherloc (09022015). Collection method: clinical testing. Allele origin: germline.
Comment: This sequence change replaces valine, which is neutral and non-polar, with leucine, which is neutral and non-polar, at codon 742 of the PYGM protein (p.Val742Leu). This variant is not present in population databases (gnomAD no frequency). This variant has not been reported in the literature in individuals affected with PYGM-related conditions. Invitae Evidence Modeling of protein sequence and biophysical properties (such as structural, functional, and spatial information, amino acid conservation, physicochemical variation, residue mobility, and thermodynamic stability) indicates that this missense variant is not expected to disrupt PYGM protein function with a negative predictive value of 80%. In summary, the available evidence is currently insufficient to determine the role of this variant in disease. Therefore, it has been classified as a Variant of Uncertain Significance.

NM_005609.4(PYGM):c.2224G>C (p.Val742Leu)

Gene: PYGM (glycogen phosphorylase, muscle associated; minus strand). Cytogenetic location: 11q13.1.
Variant type: single nucleotide variant.
Coding change: c.2224G>C on transcript NM_005609.4 (MANE Select); coding-DNA position 2224, G replaced by C.
Protein change: p.Val742Leu; replaces valine 742 with leucine.
Molecular consequence: missense variant.
Genome position (GRCh38, 1-based): chr11:64,747,312, C>G on the plus strand (G>C on the coding strand, the complement: PYGM is on the minus strand). VCF-style: chr11-64747312-C-G. GRCh37 (hg19) VCF-style: chr11-64514784-C-G.
Other names: c.1960G>C, p.Val654Leu (NM_001164716.1); short protein forms V654L, V742L.
Identifiers: ClinVar variation 4799599 (VCV004799599.1).